The following is an entry in ClinVar:

ClinVar aggregate classification (germline): Uncertain significance (1 of 4 stars; one submission).

Allele frequency attached by ClinVar (database versions not stated): gnomAD exomes below 0.00001; TOPMed 0.00001.
gnomAD v4.1: 1 of 1,609,934 alleles (0.000062%); highest among the groups gnomAD compares: Non-Finnish European, 0.000085%; no homozygotes.

Submission:

Labcorp Genetics (formerly Invitae), Labcorp
Classification: Uncertain significance. Last evaluated: 2021-06-10. Review status: criteria provided, single submitter. Criteria: Invitae Variant Classification Sherloc (09022015). Collection method: clinical testing. Allele origin: germline.
Comment: In summary, the available evidence is currently insufficient to determine the role of this variant in disease. Therefore, it has been classified as a Variant of Uncertain Significance. Nucleotide substitutions within the consensus splice site are a relatively common cause of aberrant splicing (PMID: 17576681, 9536098). Algorithms developed to predict the effect of sequence changes on RNA splicing suggest that this variant may create or strengthen a splice site, but this prediction has not been confirmed by published transcriptional studies. This variant has not been reported in the literature in individuals with NTRK2-related conditions. This variant is not present in population databases (ExAC no frequency). This sequence change falls in intron 12 of the NTRK2 gene. It does not directly change the encoded amino acid sequence of the NTRK2 protein. It affects a nucleotide within the consensus splice site of the intron.

Literature cited by the submitters: PubMed 17576681; PubMed 9536098.

NM_006180.6(NTRK2):c.1195+5C>G

Gene: NTRK2 (neurotrophic receptor tyrosine kinase 2; plus strand). Cytogenetic location: 9q21.33.
Variant type: single nucleotide variant.
Coding change: c.1195+5C>G on transcript NM_006180.6 (MANE Select); 5 bases into the intron after coding-DNA position 1195, C replaced by G.
Molecular consequence: intron variant.
Genome position (GRCh38, 1-based): chr9:84,741,932, C>G. VCF-style: chr9-84741932-C-G. GRCh37 (hg19) VCF-style: chr9-87356847-C-G.
Other names: c.1195+5C>G (NM_001369532.1, NM_001369533.1, NM_001018066.3 and 15 more transcripts); c.1156+5C>G (NM_001291937.2, NM_001369546.1); c.1160-3041C>G (NM_001369534.1); c.727+5C>G (NM_001369536.1, NM_001369535.1, NM_001369550.1 and 2 more transcripts).
Identifiers: ClinVar variation 1398986 (VCV001398986.6), dbSNP rs1372708906, ClinGen allele CA465894503.